The following is an entry in ClinVar:

NM_006059.4(LAMC3):c.958G>A (p.Ala320Thr)

Gene: LAMC3 (laminin subunit gamma 3; plus strand). Cytogenetic location: 9q34.12.
Variant type: single nucleotide variant.
Coding change: c.958G>A on transcript NM_006059.4 (MANE Select); coding-DNA position 958, G replaced by A.
Protein change: p.Ala320Thr; replaces alanine 320 with threonine.
Molecular consequence: missense variant.
Genome position (GRCh38, 1-based): chr9:131,036,314, G>A. VCF-style: chr9-131036314-G-A. GRCh37 (hg19) VCF-style: chr9-133911701-G-A.
Other names: short protein forms A320T.
Identifiers: ClinVar variation 1901406 (VCV001901406.4), dbSNP rs781048425, ClinGen allele CA5286876.
Genomic context (GRCh38, chr9:131,036,314, plus strand): 5'-GACTGTGAGCGCTGCCTGCCCTTCTTCCAGGACCGCCCGTGGGCCCGGGGCACCGCCGAG[G>A]CTGCCCACGAGTGTCTGCGTGAGTGTCTGAGTGTCACAGGGCATCAGGGACCCGAGGCTG-3'
Protein context (NP_006050.3, residues 310-330): DRPWARGTAE[Ala320Thr]AHECLPCNCS

ClinVar aggregate classification (germline): Uncertain significance. Review status: criteria provided, multiple submitters, no conflicts (2 of 4 stars). 2 submissions from 2 submitters: Uncertain significance (2). Last evaluated 2022-07-19.

Conditions:
Inborn genetic diseases. Identifiers: MedGen C0950123, MeSH D030342.

Allele frequency attached by ClinVar (database versions not stated): gnomAD 0.00002; TOPMed 0.00002; gnomAD exomes 0.00003; ExAC 0.00005.
gnomAD v4.1: 48 of 1,612,876 alleles (0.003%); highest among the groups gnomAD compares: Non-Finnish European, 0.0038%; no homozygotes.

Submissions (2):

Labcorp Genetics (formerly Invitae), Labcorp
Classification: Uncertain significance. Last evaluated: 2022-07-19. Review status: criteria provided, single submitter. Criteria: Invitae Variant Classification Sherloc (09022015). Collection method: clinical testing. Allele origin: germline.
Comment: In summary, the available evidence is currently insufficient to determine the role of this variant in disease. Therefore, it has been classified as a Variant of Uncertain Significance. Algorithms developed to predict the effect of missense changes on protein structure and function (SIFT, PolyPhen-2, Align-GVGD) all suggest that this variant is likely to be tolerated. This variant has not been reported in the literature in individuals affected with LAMC3-related conditions. This variant is present in population databases (rs781048425, gnomAD 0.009%). This sequence change replaces alanine, which is neutral and non-polar, with threonine, which is neutral and polar, at codon 320 of the LAMC3 protein (p.Ala320Thr).

Ambry Genetics
Classification: Uncertain significance for Inborn genetic diseases. Last evaluated: 2021-02-24. Review status: criteria provided, single submitter. Criteria: Ambry Variant Classification Scheme 2023. Collection method: clinical testing. Allele origin: germline.